The following is an entry in ClinVar:

NM_001386795.1(DTNA):c.443T>C (p.Leu148Ser)

Gene: DTNA (dystrobrevin alpha; plus strand). Cytogenetic location: 18q12.1.
Variant type: single nucleotide variant.
Coding change: c.443T>C on transcript NM_001386795.1 (MANE Select); coding-DNA position 443, T replaced by C.
Protein change: p.Leu148Ser; replaces leucine 148 with serine.
Molecular consequence: missense variant.
Genome position (GRCh38, 1-based): chr18:34,806,299, T>C. VCF-style: chr18-34806299-T-C. GRCh37 (hg19) VCF-style: chr18-32386263-T-C.
Other names: c.443T>C, p.Leu148Ser (NM_001128175.2, NM_001198938.2, NM_001198939.2 and 35 more transcripts); short protein forms L148S.
Identifiers: ClinVar variation 2156907 (VCV002156907.4), dbSNP rs2095359240, ClinGen allele CA402275419.

ClinVar aggregate classification (germline): Uncertain significance (1 of 4 stars; one submission).

Conditions:
Left ventricular noncompaction 1 (LVNC1). Also called: LEFT VENTRICULAR NONCOMPACTION 1 WITH OR WITHOUT CONGENITAL HEART DEFECTS. Identifiers: Orphanet 54260, MedGen C1858725, MONDO:0011403, OMIM 604169.

Allele frequency attached by ClinVar (database versions not stated): TOPMed below 0.00001; gnomAD exomes 0.00001.
gnomAD v4.1: 11 of 1,613,690 alleles (0.00068%); highest among the groups gnomAD compares: Non-Finnish European, 0.00085%; no homozygotes.

Submission:

Labcorp Genetics (formerly Invitae), Labcorp
Classification: Uncertain significance for Left ventricular noncompaction 1. Last evaluated: 2022-09-23. Review status: criteria provided, single submitter. Criteria: Invitae Variant Classification Sherloc (09022015). Collection method: clinical testing. Allele origin: germline.
Comment: In summary, the available evidence is currently insufficient to determine the role of this variant in disease. Therefore, it has been classified as a Variant of Uncertain Significance. This sequence change replaces leucine, which is neutral and non-polar, with serine, which is neutral and polar, at codon 148 of the DTNA protein (p.Leu148Ser). This variant is not present in population databases (gnomAD no frequency). This variant has not been reported in the literature in individuals affected with DTNA-related conditions. Advanced modeling of protein sequence and biophysical properties (such as structural, functional, and spatial information, amino acid conservation, physicochemical variation, residue mobility, and thermodynamic stability) performed at Invitae indicates that this missense variant is not expected to disrupt DTNA protein function.